The following is an entry in ClinVar:

NC_000009.12:g.132906148_132906149insGCTCCAGTGGCGCAATCGGTTAGCGCGCGGTACTTATATGATATTGCAGCTGAGAGGA

Gene: TSC1 (TSC complex subunit 1; minus strand). Cytogenetic location: 9q34.13.
Variant type: Insertion.
Genome position: GRCh38: chr9:132,906,148-132,906,149. GRCh37 (hg19): chr9:135,781,535-135,781,536.
Identifiers: ClinVar variation 3662222 (VCV003662222.2).

ClinVar aggregate classification (germline): Pathogenic (1 of 4 stars; one submission).

Conditions:
Tuberous sclerosis 1 (TSC1). Identifiers: Orphanet 805, MedGen C1854465, MONDO:0008612, OMIM 191100.

Submission:

Labcorp Genetics (formerly Invitae), Labcorp
Classification: Pathogenic for Tuberous sclerosis 1. Last evaluated: 2024-09-03. Review status: criteria provided, single submitter. Criteria: Invitae Variant Classification Sherloc (09022015). Collection method: clinical testing. Allele origin: germline.
Comment: This sequence change creates a premature translational stop signal (p.Arg484Tyrfs*20) in the TSC1 gene. It is expected to result in an absent or disrupted protein product. Loss-of-function variants in TSC1 are known to be pathogenic (PMID: 10227394, 17304050). This variant is not present in population databases (gnomAD no frequency). This variant has not been reported in the literature in individuals affected with TSC1-related conditions. For these reasons, this variant has been classified as Pathogenic.

Literature cited by the submitters: PubMed 10227394; PubMed 17304050.